The following is an entry in ClinVar:

ClinVar aggregate classification (germline): Benign. Review status: criteria provided, multiple submitters, no conflicts (2 of 4 stars). 3 submissions from 3 submitters: Benign (3). Last evaluated 2026-01-19.

Allele frequency attached by ClinVar (database versions not stated): gnomAD exomes 0.00104 and 0.00316; ExAC 0.00391; gnomAD 0.01283 and 0.01357; ESP Exome Variant Server 0.01330; TOPMed 0.01391; 1000 Genomes Project 0.01418; 1000 Genomes Project 30x 0.01499.
gnomAD v4.1: 3,527 of 1,613,890 alleles (0.22%); highest among the groups gnomAD compares: African/African-American, 4.1%; 59 homozygotes.

Submissions (3):

Labcorp Genetics (formerly Invitae), Labcorp
Classification: Benign. Last evaluated: 2026-01-19. Review status: criteria provided, single submitter. Criteria: Invitae Variant Classification Sherloc (09022015). Collection method: clinical testing. Allele origin: germline.

Mayo Clinic Laboratories, Mayo Clinic
Classification: Benign. Last evaluated: 2024-03-06. Review status: criteria provided, single submitter. Criteria: ACMG Guidelines, 2015. Collection method: clinical testing. Allele origin: germline. Observed: 5 variant alleles.
Comment: BS1, BS2, BP4

Breakthrough Genomics
Classification: Benign. Review status: criteria provided, single submitter. Criteria: ACMG Guidelines, 2015. Collection method: not provided. Allele origin: germline. Inheritance: Autosomal recessive inheritance. Affected: yes.

NM_001198800.3(ASCC1):c.903A>T (p.Glu301Asp)

Gene: ASCC1 (activating signal cointegrator 1 complex subunit 1; minus strand). Cytogenetic location: 10q22.1.
Variant type: single nucleotide variant.
Coding change: c.903A>T on transcript NM_001198800.3 (MANE Select); coding-DNA position 903, A replaced by T.
Protein change: p.Glu301Asp; replaces glutamic acid 301 with aspartic acid.
Molecular consequence: missense variant. On other transcripts: non-coding transcript variant (1), intron variant (3).
Genome position (GRCh38, 1-based): chr10:72,128,136, T>A on the plus strand (A>T on the coding strand, the complement: ASCC1 is on the minus strand). VCF-style: chr10-72128136-T-A. GRCh37 (hg19) VCF-style: chr10-73887894-T-A.
Other names: p.Glu301Asp; c.903A>T, p.Glu301Asp (NM_001198798.2, NM_001369087.1, NM_001369088.1 and 10 more transcripts); c.987A>T, p.Glu329Asp (NM_001198799.3); c.969A>T, p.Glu323Asp (NM_001369085.1, NM_001369086.1); c.849A>T, p.Glu283Asp (NM_001369099.1); c.783A>T, p.Glu261Asp (NM_001369100.1, NM_001369103.1, NM_001369104.1 and 2 more transcripts); c.786A>T, p.Glu262Asp (NM_001369101.1, NM_001369102.1, NM_001369105.1 and 2 more transcripts); c.751+4921A>T (NM_001369112.1); and 1 more; short protein forms E283D, E301D, E329D, E261D, E262D, E323D.
Identifiers: ClinVar variation 790630 (VCV000790630.11), dbSNP rs79032469, ClinGen allele CA5548880.